The following is an entry in ClinVar:

NM_005908.4(MANBA):c.1904A>G (p.Glu635Gly)

Gene: MANBA (mannosidase beta; minus strand). Cytogenetic location: 4q24.
Variant type: single nucleotide variant.
Coding change: c.1904A>G on transcript NM_005908.4 (MANE Select); coding-DNA position 1904, A replaced by G.
Protein change: p.Glu635Gly; replaces glutamic acid 635 with glycine.
Molecular consequence: missense variant.
Genome position (GRCh38, 1-based): chr4:102,639,823, T>C on the plus strand (A>G on the coding strand, the complement: MANBA is on the minus strand). VCF-style: chr4-102639823-T-C. GRCh37 (hg19) VCF-style: chr4-103560980-T-C.
Other names: short protein forms E635G.
Identifiers: ClinVar variation 2069009 (VCV002069009.1), dbSNP rs151080837, ClinGen allele CA3026762.

ClinVar aggregate classification (germline): Uncertain significance (1 of 4 stars; one submission).

Conditions:
Beta-D-mannosidosis (MANSB). Also called: MANNOSIDOSIS, BETA A, LYSOSOMAL; BETA-MANNOSIDASE DEFICIENCY; LYSOSOMAL BETA-MANNOSIDASE DEFICIENCY; Beta-Mannosidosis. Identifiers: Orphanet 118, MedGen C4048196, MONDO:0009562, OMIM 248510.

Allele frequency attached by ClinVar (database versions not stated): ExAC 0.00001; gnomAD 0.00005; ESP Exome Variant Server 0.00015; gnomAD exomes 0.00001; TOPMed 0.00003.
gnomAD v4.1: 15 of 1,614,020 alleles (0.00093%); highest among the groups gnomAD compares: Non-Finnish European, 0.0013%; no homozygotes.

Submission:

Labcorp Genetics (formerly Invitae), Labcorp
Classification: Uncertain significance for Beta-D-mannosidosis. Last evaluated: 2022-05-20. Review status: criteria provided, single submitter. Criteria: Invitae Variant Classification Sherloc (09022015). Collection method: clinical testing. Allele origin: germline.
Comment: This sequence change replaces glutamic acid, which is acidic and polar, with glycine, which is neutral and non-polar, at codon 635 of the MANBA protein (p.Glu635Gly). This variant is present in population databases (rs151080837, gnomAD 0.003%). This variant has not been reported in the literature in individuals affected with MANBA-related conditions. Algorithms developed to predict the effect of missense changes on protein structure and function are either unavailable or do not agree on the potential impact of this missense change (SIFT: "Tolerated"; PolyPhen-2: "Probably Damaging"; Align-GVGD: "Class C0"). In summary, the available evidence is currently insufficient to determine the role of this variant in disease. Therefore, it has been classified as a Variant of Uncertain Significance.